The following is an entry in ClinVar:

ClinVar aggregate classification (germline): Uncertain significance (1 of 4 stars; one submission).

Allele frequency attached by ClinVar (database versions not stated): gnomAD exomes below 0.00001; TOPMed below 0.00001.
gnomAD v4.1: 3 of 1,613,738 alleles (0.00019%); highest among the groups gnomAD compares: Non-Finnish European, 0.00025%; no homozygotes.

Submission:

Labcorp Genetics (formerly Invitae), Labcorp
Classification: Uncertain significance. Last evaluated: 2022-10-04. Review status: criteria provided, single submitter. Criteria: Invitae Variant Classification Sherloc (09022015). Collection method: clinical testing. Allele origin: germline.
Comment: This sequence change replaces alanine, which is neutral and non-polar, with threonine, which is neutral and polar, at codon 1224 of the FAT4 protein (p.Ala1224Thr). This variant is not present in population databases (gnomAD no frequency). This variant has not been reported in the literature in individuals affected with FAT4-related conditions. Advanced modeling of protein sequence and biophysical properties (such as structural, functional, and spatial information, amino acid conservation, physicochemical variation, residue mobility, and thermodynamic stability) performed at Invitae indicates that this missense variant is not expected to disrupt FAT4 protein function. In summary, the available evidence is currently insufficient to determine the role of this variant in disease. Therefore, it has been classified as a Variant of Uncertain Significance.

NM_001291303.3(FAT4):c.3670G>A (p.Ala1224Thr)

Gene: FAT4 (FAT atypical cadherin 4; plus strand). Cytogenetic location: 4q28.1.
Variant type: single nucleotide variant.
Coding change: c.3670G>A on transcript NM_001291303.3 (MANE Select); coding-DNA position 3670, G replaced by A.
Protein change: p.Ala1224Thr; replaces alanine 1224 with threonine.
Molecular consequence: missense variant.
Genome position (GRCh38, 1-based): chr4:125,320,081, G>A. VCF-style: chr4-125320081-G-A. GRCh37 (hg19) VCF-style: chr4-126241236-G-A.
Other names: c.3670G>A, p.Ala1224Thr (NM_001291285.3, NM_024582.6); short protein forms A1224T.
Identifiers: ClinVar variation 2090058 (VCV002090058.3), dbSNP rs1730865261, ClinGen allele CA358124492.
Genomic context (GRCh38, chr4:125,320,081, plus strand): 5'-AATGATAATGCTCCCAAATTTTTAAAAGACTTTTACCAAGCTACAATATCAGAATCAGCA[G>A]CCAATCTGACACAAGTGTTAAGAGTATCTGCCTCAGATGTTGATGAAGGTAATAATGGAC-3'
Protein context (NP_001278232.1, residues 1214-1234): FYQATISESA[Ala1224Thr]NLTQVLRVSA